The following is an entry in ClinVar:

NM_001145.4(ANG):c.-41T>C

Genes: ANG (angiogenin; plus strand), RNASE4 (ribonuclease A family member 4; plus strand), LOC130055270 (ATAC-STARR-seq lymphoblastoid active region 8093; plus strand). Cytogenetic location: 14q11.2.
Variant type: single nucleotide variant.
Coding change: c.-41T>C on transcript NM_001145.4; 41 bases upstream of the start codon, T replaced by C.
Molecular consequence: 5 prime UTR variant. On other transcripts: intron variant (2).
Genome position (GRCh38, 1-based): chr14:20,684,736, T>C. VCF-style: chr14-20684736-T-C. GRCh37 (hg19) VCF-style: chr14-21152895-T-C.
Other names: c.-165T>C (NM_001385271.1); c.-144T>C (NM_001282192.2); c.-40T>C (NM_002937.5); c.-19+40T>C (NM_001385273.1); c.-18+40T>C (NM_001282193.2).
Identifiers: ClinVar variation 312771 (VCV000312771.8), dbSNP rs117978329, ClinGen allele CA10634694.

ClinVar aggregate classification (germline): Benign. Review status: criteria provided, multiple submitters, no conflicts (2 of 4 stars). 2 submissions from 2 submitters: Benign (2). Last evaluated 2018-01-13.

Conditions:
Amyotrophic lateral sclerosis type 9 (ALS9). Identifiers: Orphanet 803, MedGen C2678468, MONDO:0012753, OMIM 611895.

Allele frequency attached by ClinVar (database versions not stated): gnomAD 0.02539 and 0.02505; TOPMed 0.01986; 1000 Genomes Project 0.02177; 1000 Genomes Project 30x 0.02155; gnomAD exomes 0.02381.
gnomAD v4.1: 3,868 of 152,678 alleles (2.5%); highest among the groups gnomAD compares: South Asian, 4.2%; 66 homozygotes.

Submissions (2):

Illumina Laboratory Services, Illumina
Classification: Benign for Amyotrophic lateral sclerosis type 9. Last evaluated: 2018-01-13. Review status: criteria provided, single submitter. Criteria: ICSL Variant Classification Criteria 13 December 2019. Collection method: clinical testing. Allele origin: germline.
Comment: This variant was observed in the ICSL laboratory as part of a predisposition screen in an ostensibly healthy population. It had not been previously curated by ICSL or reported in the Human Gene Mutation Database (HGMD: prior to June 1st, 2018), and was therefore a candidate for classification through an automated scoring system. Utilizing variant allele frequency, disease prevalence and penetrance estimates, and inheritance mode, an automated score was calculated to assess if this variant is too frequent to cause the disease. Based on the score and internal cut-off values, a variant classified as benign is not then subjected to further curation. The score for this variant resulted in a classification of benign for this disease.

Breakthrough Genomics
Classification: Benign. Review status: criteria provided, single submitter. Criteria: ACMG Guidelines, 2015. Collection method: not provided. Allele origin: germline. Inheritance: Unknown mechanism. Affected: yes.